The following is an entry in ClinVar:

ClinVar aggregate classification (germline): Pathogenic/Likely pathogenic. Review status: criteria provided, multiple submitters, no conflicts (2 of 4 stars). 2 submissions from 2 submitters: Pathogenic (1); Likely pathogenic (1). Last evaluated 2025-05-26.

Conditions:
Corneal dystrophy-perceptive deafness syndrome (CDPD). Also called: CORNEAL DYSTROPHY AND SENSORINEURAL DEAFNESS; HARBOYAN SYNDROME. Identifiers: Orphanet 1490, MedGen C1857572, MONDO:0009015, OMIM 217400.

Submissions (2):

Natera, Inc.
Classification: Likely pathogenic for Corneal dystrophy-perceptive deafness syndrome. Last evaluated: 2025-05-26. Review status: criteria provided, single submitter. Criteria: Natera Variant Classification Schema (03/2026). Collection method: clinical testing. Allele origin: germline.
Comment: The c.23delG variant in SLC4A11 is a frameshift variant predicted to shift the reading frame beginning at codon 8 and leads to a stop codon 108 codons downstream. This variant is expected to result in nonsense mediated decay, truncation, or a dysfunctional protein product. This variant is rare in the general population with a frequency below the threshold expected for the associated phenotype(s). Given the available evidence, this variant is classified as Likely Pathogenic.

Labcorp Genetics (formerly Invitae), Labcorp
Classification: Pathogenic. Last evaluated: 2024-02-23. Review status: criteria provided, single submitter. Criteria: Invitae Variant Classification Sherloc (09022015). Collection method: clinical testing. Allele origin: germline.
Comment: This sequence change creates a premature translational stop signal (p.Gly8Glufs*108) in the SLC4A11 gene. It is expected to result in an absent or disrupted protein product. Loss-of-function variants in SLC4A11 are known to be pathogenic (PMID: 17220209, 17679935). This variant is present in population databases (no rsID available, gnomAD 0.002%). This variant has not been reported in the literature in individuals affected with SLC4A11-related conditions. ClinVar contains an entry for this variant (Variation ID: 846827). For these reasons, this variant has been classified as Pathogenic.

Literature cited by the submitters: PubMed 17220209 (cited by Labcorp Genetics (formerly Invitae), Labcorp); PubMed 17679935 (cited by Labcorp Genetics (formerly Invitae), Labcorp).

NM_001174089.2(SLC4A11):c.44-69del

Gene: SLC4A11 (solute carrier family 4 member 11; minus strand). Cytogenetic location: 20p13.
Variant type: Deletion.
Coding change: c.44-69del on transcript NM_001174089.2 (MANE Select); 69 bases into the intron before coding-DNA position 44, one base deleted (G; older notation c.44-69delG).
Molecular consequence: intron variant. On other transcripts: frameshift variant (1).
Genome position (GRCh38, 1-based): chr20:3,237,657, C deleted on the plus strand (G on the coding strand, the reverse complement: SLC4A11 is on the minus strand); the first of 4 consecutive C bases (chr20:3,237,657-3,237,660); deleting any one gives the same sequence. VCF-style (leftmost placement, unchanged base first): chr20-3237656-TC-T. GRCh37 (hg19) VCF-style: chr20-3218302-TC-T.
Other names: c.23del, p.Gly8fs (NM_032034.4); c.44-69del (NM_001363745.2); c.173-69del (NM_001174090.2); c.23delG (NM_032034.3); short protein forms G8fs.
Identifiers: ClinVar variation 846827 (VCV000846827.10), dbSNP rs1391553153, ClinGen allele CA634329605.